The following is an entry in ClinVar:

NM_001429.4(EP300):c.6586G>A (p.Gly2196Arg)

Gene: EP300 (E1A binding protein p300; plus strand). Cytogenetic location: 22q13.2.
Variant type: single nucleotide variant.
Coding change: c.6586G>A on transcript NM_001429.4 (MANE Select); coding-DNA position 6586, G replaced by A.
Protein change: p.Gly2196Arg; replaces glycine 2196 with arginine.
Molecular consequence: missense variant.
Genome position (GRCh38, 1-based): chr22:41,178,297, G>A. VCF-style: chr22-41178297-G-A. GRCh37 (hg19) VCF-style: chr22-41574301-G-A.
Other names: c.6508G>A, p.Gly2170Arg (NM_001362843.2); short protein forms G2196R, G2170R.
Identifiers: ClinVar variation 134059 (VCV000134059.1), dbSNP rs587778260, ClinGen allele CA158528.

ClinVar aggregate classification (germline): not provided (0 of 4 stars; one submission).

Allele frequency attached by ClinVar (database versions not stated): gnomAD exomes below 0.00001.
gnomAD v4.1: 1 of 1,614,132 alleles (0.000062%); highest among the groups gnomAD compares: Non-Finnish European, 0.000085%; no homozygotes.

Submission:

ITMI
No classification provided. Condition: AllHighlyPenetrant. Last evaluated: 2013-09-19. Review status: no classification provided. Collection method: reference population. Allele origin: germline.
Comment: Please see associated publication for description of ethnicities

Literature cited by the submitters: PubMed 24728327.